The following is an entry in ClinVar:

NM_001256317.3(TMPRSS3):c.770A>T (p.His257Leu)

Gene: TMPRSS3 (transmembrane serine protease 3; minus strand). Cytogenetic location: 21q22.3.
Variant type: single nucleotide variant.
Coding change: c.770A>T on transcript NM_001256317.3 (MANE Select); coding-DNA position 770, A replaced by T.
Protein change: p.His257Leu; replaces histidine 257 with leucine.
Molecular consequence: missense variant.
Genome position (GRCh38, 1-based): chr21:42,383,045, T>A on the plus strand (A>T on the coding strand, the complement: TMPRSS3 is on the minus strand). VCF-style: chr21-42383045-T-A. GRCh37 (hg19) VCF-style: chr21-43803154-T-A.
Other names: c.770A>T, p.His257Leu (NM_024022.4, NM_032405.2); c.389A>T, p.His130Leu (NM_032404.3); short protein forms H257L, H130L.
Identifiers: ClinVar variation 1348962 (VCV001348962.8), dbSNP rs1428207386, ClinGen allele CA410373038.

ClinVar aggregate classification (germline): Uncertain significance (1 of 4 stars; one submission).

Allele frequency attached by ClinVar (database versions not stated): TOPMed below 0.00001.

Submission:

Labcorp Genetics (formerly Invitae), Labcorp
Classification: Uncertain significance. Last evaluated: 2024-08-13. Review status: criteria provided, single submitter. Criteria: Invitae Variant Classification Sherloc (09022015). Collection method: clinical testing. Allele origin: germline.
Comment: This sequence change replaces histidine, which is basic and polar, with leucine, which is neutral and non-polar, at codon 257 of the TMPRSS3 protein (p.His257Leu). This variant is not present in population databases (gnomAD no frequency). This variant has not been reported in the literature in individuals affected with TMPRSS3-related conditions. ClinVar contains an entry for this variant (Variation ID: 1348962). Advanced modeling of protein sequence and biophysical properties (such as structural, functional, and spatial information, amino acid conservation, physicochemical variation, residue mobility, and thermodynamic stability) performed at Invitae indicates that this missense variant is expected to disrupt TMPRSS3 protein function with a positive predictive value of 95%. In summary, the available evidence is currently insufficient to determine the role of this variant in disease. Therefore, it has been classified as a Variant of Uncertain Significance.